The following is an entry in ClinVar:

NM_001184.4(ATR):c.5678C>A (p.Ser1893Tyr)

Gene: ATR (ATR checkpoint kinase; minus strand). Cytogenetic location: 3q23.
Variant type: single nucleotide variant.
Coding change: c.5678C>A on transcript NM_001184.4 (MANE Select); coding-DNA position 5678, C replaced by A.
Protein change: p.Ser1893Tyr; replaces serine 1893 with tyrosine.
Molecular consequence: missense variant.
Genome position (GRCh38, 1-based): chr3:142,497,073, G>T on the plus strand (C>A on the coding strand, the complement: ATR is on the minus strand). VCF-style: chr3-142497073-G-T. GRCh37 (hg19) VCF-style: chr3-142215915-G-T.
Other names: c.5486C>A, p.Ser1829Tyr (NM_001354579.2); short protein forms S1893Y, S1829Y.
Identifiers: ClinVar variation 2097463 (VCV002097463.4), dbSNP rs746443122, ClinGen allele CA354814597.

ClinVar aggregate classification (germline): Uncertain significance (1 of 4 stars; one submission).

Submission:

Labcorp Genetics (formerly Invitae), Labcorp
Classification: Uncertain significance. Last evaluated: 2022-02-13. Review status: criteria provided, single submitter. Criteria: Invitae Variant Classification Sherloc (09022015). Collection method: clinical testing. Allele origin: germline.
Comment: This variant has not been reported in the literature in individuals affected with ATR-related conditions. Algorithms developed to predict the effect of missense changes on protein structure and function are either unavailable or do not agree on the potential impact of this missense change (SIFT: "Deleterious"; PolyPhen-2: "Probably Damaging"; Align-GVGD: "Class C0"). In summary, the available evidence is currently insufficient to determine the role of this variant in disease. Therefore, it has been classified as a Variant of Uncertain Significance. This variant is not present in population databases (gnomAD no frequency). This sequence change replaces serine, which is neutral and polar, with tyrosine, which is neutral and polar, at codon 1893 of the ATR protein (p.Ser1893Tyr).